The following is an entry in ClinVar:

NM_032578.4(MYPN):c.610G>C (p.Glu204Gln)

Gene: MYPN (myopalladin; plus strand). Cytogenetic location: 10q21.3.
Variant type: single nucleotide variant.
Coding change: c.610G>C on transcript NM_032578.4 (MANE Select); coding-DNA position 610, G replaced by C.
Protein change: p.Glu204Gln; replaces glutamic acid 204 with glutamine.
Molecular consequence: missense variant. On other transcripts: 5 prime UTR variant (1), non-coding transcript variant (1).
Genome position (GRCh38, 1-based): chr10:68,122,048, G>C. VCF-style: chr10-68122048-G-C. GRCh37 (hg19) VCF-style: chr10-69881805-G-C.
Other names: c.610G>C, p.Glu204Gln (NM_001256267.2); c.-513G>C (NM_001256268.2); short protein forms E204Q.
Identifiers: ClinVar variation 3228178 (VCV003228178.1), dbSNP rs2495465031, ClinGen allele CA377104742.

ClinVar aggregate classification (germline): Uncertain significance (1 of 4 stars; one submission).

Conditions:
Cardiovascular phenotype. Identifiers: MedGen CN230736.

Submission:

Ambry Genetics
Classification: Uncertain significance for Cardiovascular phenotype. Last evaluated: 2024-01-31. Review status: criteria provided, single submitter. Criteria: Ambry Variant Classification Scheme 2023. Collection method: clinical testing. Allele origin: germline.
Comment: The p.E204Q variant (also known as c.610G>C), located in coding exon 1 of the MYPN gene, results from a G to C substitution at nucleotide position 610. The glutamic acid at codon 204 is replaced by glutamine, an amino acid with highly similar properties. This amino acid position is well conserved in available vertebrate species. In addition, this alteration is predicted to be tolerated by in silico analysis. Based on the available evidence, the clinical significance of this alteration remains unclear.